The following is an entry in ClinVar:

NM_138713.4(NFAT5):c.543G>A (p.Gly181=)

Gene: NFAT5 (nuclear factor of activated T cells 5; plus strand). Cytogenetic location: 16q22.1.
Variant type: single nucleotide variant.
Coding change: c.543G>A on transcript NM_138713.4 (MANE Select); coding-DNA position 543, G replaced by A.
Protein change: p.Gly181=; no amino-acid change (glycine 181 retained).
Molecular consequence: synonymous variant. On other transcripts: intron variant (1).
Genome position (GRCh38, 1-based): chr16:69,647,317, G>A. VCF-style: chr16-69647317-G-A. GRCh37 (hg19) VCF-style: chr16-69681220-G-A.
Other names: c.261G>A (NM_138714.3); c.543G>A, p.Gly181= (NM_001113178.3); c.489G>A, p.Gly163= (NM_006599.4); c.261G>A, p.Gly87= (NM_138714.4, NM_173214.3, NM_173215.3); c.140+150G>A (NM_001367709.1).
Identifiers: ClinVar variation 1170936 (VCV001170936.12), dbSNP rs56393495, ClinGen allele CA8135378.

ClinVar aggregate classification (germline): Benign/Likely benign. Review status: criteria provided, multiple submitters, no conflicts (2 of 4 stars). 3 submissions from 3 submitters: Benign (1); Likely benign (1). 1 of the submissions does not count toward it. Last evaluated 2026-01-26.

Conditions:
NFAT5-related disorder. Also called: NFAT5-related condition.
Immunodeficiency. Identifiers: MedGen C0021051, MONDO:0021094, HP:0002721.

Allele frequency attached by ClinVar (database versions not stated): gnomAD 0.00016 and 0.00024; TOPMed 0.00031; ExAC 0.00048; 1000 Genomes Project 30x 0.00094; 1000 Genomes Project 0.00100.
gnomAD v4.1: 413 of 1,614,218 alleles (0.026%); highest among the groups gnomAD compares: East Asian, 0.87%; 2 homozygotes.

Submissions (3):

Labcorp Genetics (formerly Invitae), Labcorp
Classification: Benign for Immunodeficiency. Last evaluated: 2026-01-26. Review status: criteria provided, single submitter. Criteria: Invitae Variant Classification Sherloc (09022015). Collection method: clinical testing. Allele origin: germline.

Blueprint Genetics
Classification: Likely benign. Last evaluated: 2024-07-26. Review status: criteria provided, single submitter. Criteria: ACMG Guidelines, 2015. Collection method: clinical testing. Allele origin: germline.

PreventionGenetics, part of Exact Sciences
Classification: Benign for NFAT5-related condition. Last evaluated: 2019-12-20. Review status: no assertion criteria provided. Collection method: clinical testing. Allele origin: germline. Not counted in ClinVar's aggregate classification.
Comment: This variant is classified as benign based on ACMG/AMP sequence variant interpretation guidelines (Richards et al. 2015 PMID: 25741868, with internal and published modifications).